The following is an entry in ClinVar:

ClinVar aggregate classification (germline): Uncertain significance (1 of 4 stars; one submission).

Conditions:
Hereditary sensory and autonomic neuropathy type 7. Also called: HSAN VII; Neuropathy, hereditary sensory and autonomic, type VII. Identifiers: Orphanet 391397, MedGen C3809882, MONDO:0014244, OMIM 615548.
Familial episodic pain syndrome with predominantly lower limb involvement. Also called: Episodic pain syndrome, familial, 3. Identifiers: Orphanet 391384, Orphanet 391392, MedGen C3809899, MONDO:0014247, OMIM 615552.

Submission:

Labcorp Genetics (formerly Invitae), Labcorp
Classification: Uncertain significance for Familial episodic pain syndrome with predominantly lower limb involvement; Hereditary sensory and autonomic neuropathy type 7. Last evaluated: 2025-01-21. Review status: criteria provided, single submitter. Criteria: Invitae Variant Classification Sherloc (09022015). Collection method: clinical testing. Allele origin: germline.
Comment: This sequence change replaces serine, which is neutral and polar, with glycine, which is neutral and non-polar, at codon 1614 of the SCN11A protein (p.Ser1614Gly). This variant is not present in population databases (gnomAD no frequency). This variant has not been reported in the literature in individuals affected with SCN11A-related conditions. Invitae Evidence Modeling of protein sequence and biophysical properties (such as structural, functional, and spatial information, amino acid conservation, physicochemical variation, residue mobility, and thermodynamic stability) indicates that this missense variant is expected to disrupt SCN11A protein function with a positive predictive value of 80%. In summary, the available evidence is currently insufficient to determine the role of this variant in disease. Therefore, it has been classified as a Variant of Uncertain Significance.

NM_001349253.2(SCN11A):c.4840A>G (p.Ser1614Gly)

Gene: SCN11A (sodium voltage-gated channel alpha subunit 11; minus strand). Cytogenetic location: 3p22.2.
Variant type: single nucleotide variant.
Coding change: c.4840A>G on transcript NM_001349253.2 (MANE Select); coding-DNA position 4840, A replaced by G.
Protein change: p.Ser1614Gly; replaces serine 1614 with glycine.
Molecular consequence: missense variant.
Genome position (GRCh38, 1-based): chr3:38,847,230, T>C on the plus strand (A>G on the coding strand, the complement: SCN11A is on the minus strand). VCF-style: chr3-38847230-T-C. GRCh37 (hg19) VCF-style: chr3-38888721-T-C.
Other names: c.4840A>G, p.Ser1614Gly (NM_014139.3); short protein forms S1614G.
Identifiers: ClinVar variation 3757991 (VCV003757991.2).